The following is an entry in ClinVar:

NM_001199267.2(DGKZ):c.162-931G>C

Gene: DGKZ (diacylglycerol kinase zeta; plus strand). Cytogenetic location: 11p11.2.
Variant type: single nucleotide variant.
Coding change: c.162-931G>C on transcript NM_001199267.2 (MANE Select); 931 bases into the intron before coding-DNA position 162, G replaced by C.
Molecular consequence: intron variant. On other transcripts: missense variant (1).
Genome position (GRCh38, 1-based): chr11:46,366,360, G>C. VCF-style: chr11-46366360-G-C. GRCh37 (hg19) VCF-style: chr11-46387910-G-C.
Other names: c.104G>C, p.Arg35Pro (NM_001105540.2); c.213-931G>C (NM_201532.3); c.177-931G>C (NM_201533.3); c.162-931G>C (NM_001199266.2, NM_003646.4, NM_001199268.2); short protein forms R35P.
Identifiers: ClinVar variation 2704429 (VCV002704429.3), dbSNP rs377451293, ClinGen allele CA5962070.
Genomic context (GRCh38, chr11:46,366,360, plus strand): 5'-GCCCTGGAGAGGGGCAGCAGCGGCCCAGCAGCGTGGGGCTGCCCACAGGCAAGGCCCGGC[G>C]TCGCTCCCCCGCTGGGCAGGCCTCCTCCTCACTGGCACAGCGGCGCCGCTCCAGCGCCCA-3'

ClinVar aggregate classification (germline): Uncertain significance (1 of 4 stars; one submission).

Allele frequency attached by ClinVar (database versions not stated): 1000 Genomes Project 0.00120; 1000 Genomes Project 30x 0.00094.
gnomAD v4.1: 86 of 1,529,144 alleles (0.0056%); highest among the groups gnomAD compares: African/African-American, 0.12%; no homozygotes.

Submission:

Labcorp Genetics (formerly Invitae), Labcorp
Classification: Uncertain significance. Last evaluated: 2025-07-11. Review status: criteria provided, single submitter. Criteria: Invitae Variant Classification Sherloc (09022015). Collection method: clinical testing. Allele origin: germline.
Comment: This sequence change replaces arginine, which is basic and polar, with proline, which is neutral and non-polar, at codon 35 of the DGKZ protein (p.Arg35Pro). This variant is present in population databases (rs377451293, gnomAD 0.2%), and has an allele count higher than expected for a pathogenic variant. This variant has not been reported in the literature in individuals affected with DGKZ-related conditions. ClinVar contains an entry for this variant (Variation ID: 2704429). An algorithm developed to predict the effect of missense changes on protein structure and function (PolyPhen-2) suggests that this variant is likely to be disruptive. In summary, the available evidence is currently insufficient to determine the role of this variant in disease. Therefore, it has been classified as a Variant of Uncertain Significance.